The following is an entry in ClinVar:

NM_001077365.2(POMT1):c.1451C>T (p.Thr484Met)

Gene: POMT1 (protein O-mannosyltransferase 1; plus strand). Cytogenetic location: 9q34.13.
Variant type: single nucleotide variant.
Coding change: c.1451C>T on transcript NM_001077365.2 (MANE Select); coding-DNA position 1451, C replaced by T.
Protein change: p.Thr484Met; replaces threonine 484 with methionine.
Molecular consequence: missense variant. On other transcripts: non-coding transcript variant (10), intron variant (1).
Genome position (GRCh38, 1-based): chr9:131,518,922, C>T. VCF-style: chr9-131518922-C-T. GRCh37 (hg19) VCF-style: chr9-134394309-C-T.
Other names: c.1289C>T, p.Thr430Met (NM_001077366.2, NM_001353194.2); c.1451C>T, p.Thr484Met (NM_001136113.2); c.1100C>T, p.Thr367Met (NM_001136114.2, NM_001353195.2, NM_001374691.1 and 2 more transcripts); c.1517C>T, p.Thr506Met (NM_001353193.2, NM_007171.4); c.1361C>T, p.Thr454Met (NM_001353196.2); c.1355C>T, p.Thr452Met (NM_001353197.2, NM_001353198.2); c.1166C>T, p.Thr389Met (NM_001353199.2); c.995C>T, p.Thr332Met (NM_001353200.2); and 3 more; short protein forms T506M, T367M, T430M, T332M, T452M, T484M, T389M, T454M.
Identifiers: ClinVar variation 289144 (VCV000289144.10), dbSNP rs201220016, ClinGen allele CA5293698.

ClinVar aggregate classification (germline): Uncertain significance. Review status: criteria provided, multiple submitters, no conflicts (2 of 4 stars). 4 submissions from 4 submitters: Uncertain significance (4). Last evaluated 2022-08-21.

Conditions:
Walker-Warburg congenital muscular dystrophy. Also called: Muscular dystrophy-dystroglycanopathy, type A; Walker-Warburg syndrome. Identifiers: Orphanet 899, MedGen C0265221, MONDO:0000171.
Muscular dystrophy-dystroglycanopathy (congenital with impaired intellectual development), type B, 1. Also called: Muscular dystrophy-dystroglycanopathy (congenital with intellectual disability), type B1; MUSCULAR DYSTROPHY, CONGENITAL, POMT1-RELATED. Identifiers: MedGen C5436962, MONDO:0013159, OMIM 613155.
Autosomal recessive limb-girdle muscular dystrophy type 2K. Also called: MUSCULAR DYSTROPHY-DYSTROGLYCANOPATHY (LIMB-GIRDLE), TYPE C, 1; MUSCULAR DYSTROPHY, LIMB-GIRDLE, TYPE 2K. Identifiers: Orphanet 86812, MedGen C1836373, MONDO:0012248, OMIM 609308.

Allele frequency attached by ClinVar (database versions not stated): gnomAD 0.00007; ESP Exome Variant Server 0.00008; 1000 Genomes Project 30x 0.00031; TOPMed 0.00007; 1000 Genomes Project 0.00040.

Submissions (4):

Labcorp Genetics (formerly Invitae), Labcorp
Classification: Uncertain significance for Muscular dystrophy-dystroglycanopathy (congenital with impaired intellectual development), type B, 1; Walker-Warburg congenital muscular dystrophy; Autosomal recessive limb-girdle muscular dystrophy type 2K. Last evaluated: 2022-08-21. Review status: criteria provided, single submitter. Criteria: Invitae Variant Classification Sherloc (09022015). Collection method: clinical testing. Allele origin: germline.
Comment: This sequence change replaces threonine, which is neutral and polar, with methionine, which is neutral and non-polar, at codon 506 of the POMT1 protein (p.Thr506Met). This variant is present in population databases (rs201220016, gnomAD 0.02%). This variant has not been reported in the literature in individuals affected with POMT1-related conditions. ClinVar contains an entry for this variant (Variation ID: 289144). Algorithms developed to predict the effect of missense changes on protein structure and function output the following: SIFT: "Tolerated"; PolyPhen-2: "Benign"; Align-GVGD: "Class C0". The methionine amino acid residue is found in multiple mammalian species, which suggests that this missense change does not adversely affect protein function. In summary, the available evidence is currently insufficient to determine the role of this variant in disease. Therefore, it has been classified as a Variant of Uncertain Significance.

Revvity Omics, Revvity
Classification: Uncertain significance. Last evaluated: 2022-08-02. Review status: criteria provided, single submitter. Criteria: ACMG Guidelines, 2015. Collection method: clinical testing. Allele origin: germline.

Eurofins Ntd Llc (ga)
Classification: Uncertain significance. Last evaluated: 2018-05-15. Review status: criteria provided, single submitter. Criteria: EGL ClinVar v180209 classification definitions. Collection method: clinical testing. Allele origin: germline. Observed: 2 variant alleles, 2 heterozygotes.

Athena Diagnostics
Classification: Uncertain significance. Last evaluated: 2017-06-26. Review status: criteria provided, single submitter. Criteria: Athena Diagnostics Criteria. Collection method: clinical testing. Allele origin: germline.